The following is an entry in ClinVar:

ClinVar aggregate classification (germline): Likely pathogenic (1 of 4 stars; one submission).

Conditions:
EIF2AK4-related disorder. Also called: EIF2AK4-related condition.

Allele frequency attached by ClinVar (database versions not stated): gnomAD exomes below 0.00001.

Submission:

PreventionGenetics, part of Exact Sciences
Classification: Likely pathogenic for EIF2AK4-related condition. Last evaluated: 2022-09-04. Review status: criteria provided, single submitter. Criteria: ACMG Guidelines, 2015. Collection method: clinical testing. Allele origin: germline.
Comment: The EIF2AK4 c.563_564delAA variant is predicted to result in a frameshift and premature protein termination (p.Glu188Glyfs*9). To our knowledge, this variant has not been reported in the literature or in a large population database, indicating this variant is rare. Frameshift variants in EIF2AK4 are expected to be pathogenic. This variant is interpreted as likely pathogenic.

NM_001013703.4(EIF2AK4):c.563_564del (p.Glu188fs)

Gene: EIF2AK4 (eukaryotic translation initiation factor 2 alpha kinase 4; plus strand). Cytogenetic location: 15q15.1.
Variant type: Deletion.
Coding change: c.563_564del on transcript NM_001013703.4 (MANE Select); coding-DNA positions 563 to 564, 2 bases deleted (AA; older notation c.563_564delAA).
Protein change: p.Glu188fs; shifts the reading frame from glutamic acid 188.
Molecular consequence: frameshift variant.
Genome position (GRCh38, 1-based): chr15:39,953,953-39,953,954, AA deleted. VCF-style (leftmost placement, unchanged base first): chr15-39953952-GAA-G. GRCh37 (hg19) VCF-style: chr15-40246153-GAA-G.
Other names: short protein forms E188fs.
Identifiers: ClinVar variation 2636337 (VCV002636337.1), dbSNP rs2504537554, ClinGen allele CA2627757254.